The following is an entry in ClinVar:

NM_006311.4(NCOR1):c.4329C>T (p.Thr1443=)

Gene: NCOR1 (nuclear receptor corepressor 1; minus strand). Cytogenetic location: 17p12.
Variant type: single nucleotide variant.
Coding change: c.4329C>T on transcript NM_006311.4 (MANE Select); coding-DNA position 4329, C replaced by T.
Protein change: p.Thr1443=; no amino-acid change (threonine 1443 retained).
Molecular consequence: synonymous variant.
Genome position (GRCh38, 1-based): chr17:16,070,349, G>A on the plus strand (C>T on the coding strand, the complement: NCOR1 is on the minus strand). VCF-style: chr17-16070349-G-A. GRCh37 (hg19) VCF-style: chr17-15973663-G-A.
Other names: c.4377C>T, p.Thr1459= (NM_001190440.2).
Identifiers: ClinVar variation 747294 (VCV000747294.5), dbSNP rs138703984, ClinGen allele CA8408534.

ClinVar aggregate classification (germline): Benign. Review status: criteria provided, single submitter (1 of 4 stars). 2 submissions from 2 submitters: Benign (1). 1 of the submissions does not count toward it. Last evaluated 2018-04-20.

Conditions:
NCOR1-related disorder. Also called: NCOR1-related condition.

Allele frequency attached by ClinVar (database versions not stated): gnomAD exomes 0.00033; ExAC 0.00034; 1000 Genomes Project 0.00060; 1000 Genomes Project 30x 0.00094; gnomAD 0.00105 and 0.00116; TOPMed 0.00119; ESP Exome Variant Server 0.00138.
gnomAD v4.1: 320 of 1,614,114 alleles (0.02%); highest among the groups gnomAD compares: African/African-American, 0.38%; no homozygotes.

Submissions (2):

Labcorp Genetics (formerly Invitae), Labcorp
Classification: Benign. Last evaluated: 2018-04-20. Review status: criteria provided, single submitter. Criteria: Invitae Variant Classification Sherloc (09022015). Collection method: clinical testing. Allele origin: germline.

PreventionGenetics, part of Exact Sciences
Classification: Likely benign for NCOR1-related condition. Last evaluated: 2020-04-29. Review status: no assertion criteria provided. Collection method: clinical testing. Allele origin: germline. Not counted in ClinVar's aggregate classification.
Comment: This variant is classified as likely benign based on ACMG/AMP sequence variant interpretation guidelines (Richards et al. 2015 PMID: 25741868, with internal and published modifications).